The following is an entry in ClinVar:

ClinVar aggregate classification (germline): Uncertain significance. Review status: criteria provided, multiple submitters, no conflicts (2 of 4 stars). 3 submissions from 3 submitters: Uncertain significance (2). 1 of the submissions does not count toward it. Last evaluated 2024-12-04.

Conditions:
Inborn genetic diseases. Identifiers: MedGen C0950123, MeSH D030342.
Polyglandular autoimmune syndrome, type 1 (APS1). Also called: HYPOADRENOCORTICISM WITH HYPOPARATHYROIDISM AND SUPERFICIAL MONILIASIS; PGA I; Autoimmune polyendocrinopathy syndrome , type I, with or without reversible metaphyseal dysplasia; Whitaker syndrome; AUTOIMMUNE POLYENDOCRINE SYNDROME, TYPE I, WITH OR WITHOUT REVERSIBLE METAPHYSEAL DYSPLASIA; Autoimmune polyendocrine syndrome type 1. Identifiers: Orphanet 3453, MedGen C0085859, MONDO:0009411, OMIM 240300.

Allele frequency attached by ClinVar (database versions not stated): gnomAD exomes 0.00002 and 0.00003; ExAC 0.00004; gnomAD 0.00007 and 0.00008; TOPMed 0.00012.
gnomAD v4.1: 37 of 1,612,654 alleles (0.0023%); highest among the groups gnomAD compares: African/African-American, 0.04%; 1 homozygote.

Submissions (3):

Labcorp Genetics (formerly Invitae), Labcorp
Classification: Uncertain significance for Polyglandular autoimmune syndrome, type 1. Last evaluated: 2024-12-04. Review status: criteria provided, single submitter. Criteria: Invitae Variant Classification Sherloc (09022015). Collection method: clinical testing. Allele origin: germline.
Comment: This sequence change replaces serine, which is neutral and polar, with phenylalanine, which is neutral and non-polar, at codon 220 of the AIRE protein (p.Ser220Phe). This variant is present in population databases (rs753236604, gnomAD 0.04%). This variant has not been reported in the literature in individuals affected with AIRE-related conditions. ClinVar contains an entry for this variant (Variation ID: 659221). Invitae Evidence Modeling of protein sequence and biophysical properties (such as structural, functional, and spatial information, amino acid conservation, physicochemical variation, residue mobility, and thermodynamic stability) has been performed for this missense variant. However, the output from this modeling did not meet the statistical confidence thresholds required to predict the impact of this variant on AIRE protein function. In summary, the available evidence is currently insufficient to determine the role of this variant in disease. Therefore, it has been classified as a Variant of Uncertain Significance.

Ambry Genetics
Classification: Uncertain significance for Inborn genetic diseases. Last evaluated: 2024-09-26. Review status: criteria provided, single submitter. Criteria: Ambry Variant Classification Scheme 2023. Collection method: clinical testing. Allele origin: germline.

Natera, Inc.
Classification: Uncertain significance for Polyglandular autoimmune syndrome type 1. Last evaluated: 2020-08-14. Review status: no assertion criteria provided. Collection method: clinical testing. Allele origin: germline. Not counted in ClinVar's aggregate classification.

NM_000383.4(AIRE):c.659C>T (p.Ser220Phe)

Gene: AIRE (autoimmune regulator; plus strand). Cytogenetic location: 21q22.3.
Variant type: single nucleotide variant.
Coding change: c.659C>T on transcript NM_000383.4 (MANE Select); coding-DNA position 659, C replaced by T.
Protein change: p.Ser220Phe; replaces serine 220 with phenylalanine.
Molecular consequence: missense variant.
Genome position (GRCh38, 1-based): chr21:44,289,663, C>T. VCF-style: chr21-44289663-C-T. GRCh37 (hg19) VCF-style: chr21-45709546-C-T.
Other names: c.659C>T (NM_000383.2); short protein forms S220F.
Identifiers: ClinVar variation 659221 (VCV000659221.9), dbSNP rs753236604, ClinGen allele CA10051675.